The following is an entry in ClinVar:

NM_004211.5(SLC6A5):c.2170T>G (p.Cys724Gly)

Gene: SLC6A5 (solute carrier family 6 member 5; plus strand). Cytogenetic location: 11p15.1.
Variant type: single nucleotide variant.
Coding change: c.2170T>G on transcript NM_004211.5 (MANE Select); coding-DNA position 2170, T replaced by G.
Protein change: p.Cys724Gly; replaces cysteine 724 with glycine.
Molecular consequence: missense variant.
Genome position (GRCh38, 1-based): chr11:20,652,388, T>G. VCF-style: chr11-20652388-T-G. GRCh37 (hg19) VCF-style: chr11-20673934-T-G.
Other names: c.1468T>G, p.Cys490Gly (NM_001318369.2); short protein forms C724G, C490G.
Identifiers: ClinVar variation 1350719 (VCV001350719.6), dbSNP rs2133825147, ClinGen allele CA379916077.

ClinVar aggregate classification (germline): Uncertain significance (1 of 4 stars; one submission).

Conditions:
Hyperekplexia 3 (HKPX3). Also called: HYPEREKPLEXIA 3, AUTOSOMAL RECESSIVE; HYPEREKPLEXIA 3, AUTOSOMAL DOMINANT. Identifiers: Orphanet 3197, MedGen C3553288, MONDO:0013827, OMIM 614618.

Submission:

Labcorp Genetics (formerly Invitae), Labcorp
Classification: Uncertain significance for Hyperekplexia 3. Last evaluated: 2023-08-10. Review status: criteria provided, single submitter. Criteria: Invitae Variant Classification Sherloc (09022015). Collection method: clinical testing. Allele origin: germline.
Comment: In summary, the available evidence is currently insufficient to determine the role of this variant in disease. Therefore, it has been classified as a Variant of Uncertain Significance. Advanced modeling of protein sequence and biophysical properties (such as structural, functional, and spatial information, amino acid conservation, physicochemical variation, residue mobility, and thermodynamic stability) performed at Invitae indicates that this missense variant is not expected to disrupt SLC6A5 protein function. ClinVar contains an entry for this variant (Variation ID: 1350719). This variant has not been reported in the literature in individuals affected with SLC6A5-related conditions. This variant is not present in population databases (gnomAD no frequency). This sequence change replaces cysteine, which is neutral and slightly polar, with glycine, which is neutral and non-polar, at codon 724 of the SLC6A5 protein (p.Cys724Gly).